The following is an entry in ClinVar:

ClinVar aggregate classification (germline): Uncertain significance (1 of 4 stars; one submission).

Conditions:
Aortic aneurysm, familial thoracic 7 (AAT7). Also called: AORTIC DISSECTION, FAMILIAL, WITH OR WITHOUT AORTIC ANEURYSM. Identifiers: MedGen C3151077, MONDO:0013418, OMIM 613780.

Submission:

Labcorp Genetics (formerly Invitae), Labcorp
Classification: Uncertain significance for Aortic aneurysm, familial thoracic 7. Last evaluated: 2021-04-13. Review status: criteria provided, single submitter. Criteria: Invitae Variant Classification Sherloc (09022015). Collection method: clinical testing. Allele origin: germline.
Comment: This sequence change replaces proline with histidine at codon 1212 of the MYLK protein (p.Pro1212His). The proline residue is highly conserved and there is a moderate physicochemical difference between proline and histidine. This variant is not present in population databases (ExAC no frequency). This variant has not been reported in the literature in individuals with MYLK-related conditions. Advanced modeling of protein sequence and biophysical properties (such as structural, functional, and spatial information, amino acid conservation, physicochemical variation, residue mobility, and thermodynamic stability) performed at Invitae indicates that this missense variant is not expected to disrupt MYLK protein function. In summary, the available evidence is currently insufficient to determine the role of this variant in disease. Therefore, it has been classified as a Variant of Uncertain Significance.

NM_053025.4(MYLK):c.3635C>A (p.Pro1212His)

Gene: MYLK (myosin light chain kinase; minus strand). Cytogenetic location: 3q21.1.
Variant type: single nucleotide variant.
Coding change: c.3635C>A on transcript NM_053025.4 (MANE Select); coding-DNA position 3635, C replaced by A.
Protein change: p.Pro1212His; replaces proline 1212 with histidine.
Molecular consequence: missense variant.
Genome position (GRCh38, 1-based): chr3:123,682,241, G>T on the plus strand (C>A on the coding strand, the complement: MYLK is on the minus strand). VCF-style: chr3-123682241-G-T. GRCh37 (hg19) VCF-style: chr3-123401088-G-T.
Other names: c.3107C>A, p.Pro1036His (NM_001321309.2); c.3428C>A, p.Pro1143His (NM_053026.4, NM_053028.4); c.3635C>A, p.Pro1212His (NM_053027.4); short protein forms P1143H, P1212H, P1036H.
Identifiers: ClinVar variation 1359986 (VCV001359986.8), dbSNP rs2060292256, ClinGen allele CA354233487.